The following is an entry in ClinVar:

ClinVar aggregate classification (germline): Conflicting classifications of pathogenicity. Review status: criteria provided, conflicting classifications (1 of 4 stars). 9 submissions from 9 submitters: Uncertain significance (4); Likely benign (3). 2 of the submissions do not count toward it. Last evaluated 2026-01-12.

Conditions:
USH2A-related disorder. Also called: USH2A-related condition; USH2A-related disorders. Identifiers: MedGen CN239332.
Inborn genetic diseases. Identifiers: MedGen C0950123, MeSH D030342.
Usher syndrome type 2A. Also called: RETINAL DISEASE IN USHER SYNDROME TYPE IIA, MODIFIER OF; USHER SYNDROME, TYPE IIA. Identifiers: Orphanet 231178, Orphanet 886, MedGen C1848634, MONDO:0010169, OMIM 276901.

Allele frequency attached by ClinVar (database versions not stated): gnomAD exomes 0.00011 and 0.00030; ExAC 0.00042; 1000 Genomes Project 0.00100; ESP Exome Variant Server 0.00100; gnomAD 0.00113 and 0.00121; TOPMed 0.00119; 1000 Genomes Project 30x 0.00156.
gnomAD v4.1: 329 of 1,611,654 alleles (0.02%); highest among the groups gnomAD compares: African/African-American, 0.36%; no homozygotes.

Submissions (9):

Labcorp Genetics (formerly Invitae), Labcorp
Classification: Likely benign. Last evaluated: 2026-01-12. Review status: criteria provided, single submitter. Criteria: Invitae Variant Classification Sherloc (09022015). Collection method: clinical testing. Allele origin: germline.

Women's Health and Genetics/Laboratory Corporation of America, LabCorp
Classification: Uncertain significance. Last evaluated: 2025-11-06. Review status: criteria provided, single submitter. Criteria: LabCorp Variant Classification Summary - May 2015. Collection method: clinical testing. Allele origin: germline.
Comment: Variant summary: USH2A c.11467G>A (p.Val3823Ile) results in a conservative amino acid change in the encoded protein sequence. Algorithms developed to predict the effect of missense changes on protein structure and function all suggest that this variant is likely to be tolerated. The variant allele was found at a frequency of 0.0003 in 251424 control chromosomes (gnomAD). This frequency is not significantly higher than estimated for disease-causing variants in USH2A, allowing no conclusion about variant significance. To our knowledge, no occurrence of c.11467G>A in individuals affected with USH2A-related conditions and no experimental evidence demonstrating its impact on protein function have been reported. ClinVar contains an entry for this variant (Variation ID: 281728). Based on the evidence outlined above, the variant was classified as uncertain significance.

Ambry Genetics
Classification: Uncertain significance for Inborn genetic diseases. Last evaluated: 2025-01-17. Review status: criteria provided, single submitter. Criteria: Ambry Variant Classification Scheme 2023. Collection method: clinical testing. Allele origin: germline.

Blueprint Genetics
Classification: Likely benign. Last evaluated: 2024-06-13. Review status: criteria provided, single submitter. Criteria: ACMG Guidelines, 2015. Collection method: clinical testing. Allele origin: germline.

GeneDx
Classification: Uncertain significance. Last evaluated: 2021-12-21. Review status: criteria provided, single submitter. Criteria: GeneDx Variant Classification Process June 2021. Collection method: clinical testing. Allele origin: germline. Affected: yes.
Comment: In silico analysis supports that this missense variant does not alter protein structure/function; Has not been previously published as pathogenic or benign to our knowledge

Laboratory for Molecular Medicine, Mass General Brigham Personalized Medicine
Classification: Likely benign. Last evaluated: 2018-01-09. Review status: criteria provided, single submitter. Criteria: LMM Criteria. Collection method: clinical testing. Allele origin: germline. Observed: 3 variant alleles.
Comment: p.Val3823Ile in exon 59 of USH2A: This variant is not expected to have clinical significance because it has been identified in 0.4% (45/10404) of African chromo somes by the Exome Aggregation Consortium (ExAC; dbSNP rs142481947). 0.4% (95/23930) of African chromosomes by the Genome Aggr egation Database (gnomAD).

Eurofins Ntd Llc (ga)
Classification: Uncertain significance. Last evaluated: 2015-07-14. Review status: criteria provided, single submitter. Criteria: EGL Classification Definitions 2015. Collection method: clinical testing. Allele origin: germline. Observed: 1 variant allele, 1 heterozygote.

PreventionGenetics, part of Exact Sciences
Classification: Likely benign for USH2A-related condition. Last evaluated: 2023-09-22. Review status: no assertion criteria provided. Collection method: clinical testing. Allele origin: germline. Not counted in ClinVar's aggregate classification.
Comment: This variant is classified as likely benign based on ACMG/AMP sequence variant interpretation guidelines (Richards et al. 2015 PMID: 25741868, with internal and published modifications).

Natera, Inc.
Classification: Uncertain significance for Usher syndrome type 2A. Last evaluated: 2019-11-06. Review status: no assertion criteria provided. Collection method: clinical testing. Allele origin: germline. Not counted in ClinVar's aggregate classification.

NM_206933.4(USH2A):c.11467G>A (p.Val3823Ile)

Gene: USH2A (usherin; minus strand). Cytogenetic location: 1q41.
Variant type: single nucleotide variant.
Coding change: c.11467G>A on transcript NM_206933.4 (MANE Select); coding-DNA position 11467, G replaced by A.
Protein change: p.Val3823Ile; replaces valine 3823 with isoleucine.
Molecular consequence: missense variant.
Genome position (GRCh38, 1-based): chr1:215,743,258, C>T on the plus strand (G>A on the coding strand, the complement: USH2A is on the minus strand). VCF-style: chr1-215743258-C-T. GRCh37 (hg19) VCF-style: chr1-215916600-C-T.
Other names: short protein forms V3823I.
Identifiers: ClinVar variation 281728 (VCV000281728.33), dbSNP rs142481947, ClinGen allele CA1393701.